The following is an entry in ClinVar:

ClinVar aggregate classification (germline): Pathogenic (1 of 4 stars; one submission).

Submission:

Clinical Genomics Laboratory, Laboratory for Precision Diagnostics, University of Washington
Classification: Pathogenic. Last evaluated: 2023-02-16. Review status: criteria provided, single submitter. Criteria: ACMG/ClinGen CNV Guidelines, 2019. Collection method: clinical testing. Allele origin: unknown. Affected: yes. Observed: 1 variant allele.
Comment: This interstitial deletion corresponds to the recurrent microdeletion that causes Williams syndrome.

Literature cited by the submitters: PubMed 31964759.

GRCh38/hg38 7q11.23(chr7:73308984-74727502)x1

Genes: METTL27 (methyltransferase like 27; minus strand), MIR10525 (microRNA 10525; plus strand), MIR4284 (microRNA 4284; plus strand), MIR590 (microRNA 590; plus strand), MLXIPL (MLX interacting protein like; minus strand) and 126 more. Cytogenetic location: 7q11.23.
Variant type: copy number loss.
Change: copy number 1 (one copy instead of two) of chr7:73,308,984-74,727,502 (1.42 Mb, GRCh38 coordinates, 1-based), cytogenetic band 7q11.23.
Identifiers: ClinVar variation 4890998 (VCV004890998.1).